The following is an entry in ClinVar:

NM_004329.3(BMPR1A):c.634C>T (p.Gln212Ter)

Gene: BMPR1A (bone morphogenetic protein receptor type 1A; plus strand). Cytogenetic location: 10q23.2.
Variant type: single nucleotide variant.
Coding change: c.634C>T on transcript NM_004329.3 (MANE Select); coding-DNA position 634, C replaced by T.
Protein change: p.Gln212Ter; replaces glutamine 212 with a stop codon.
Molecular consequence: nonsense. On other transcripts: non-coding transcript variant (3), intron variant (1).
Genome position (GRCh38, 1-based): chr10:86,912,343, C>T. VCF-style: chr10-86912343-C-T. GRCh37 (hg19) VCF-style: chr10-88672100-C-T.
Other names: c.634C>T, p.Gln212Ter (NM_001406561.1, NM_001406562.1, NM_001406563.1 and 20 more transcripts); c.550C>T, p.Gln184Ter (NM_001406584.1, NM_001406585.1, NM_001406586.1 and 2 more transcripts); c.334-4791C>T (NM_001406589.1); c.709C>T, p.Gln237Ter (NM_001406559.1); c.682C>T, p.Gln228Ter (NM_001406560.1); short protein forms Q237*, Q212*, Q228*, Q184*.
Identifiers: ClinVar variation 3646437 (VCV003646437.3).
Genomic context (GRCh38, chr10:86,912,343, plus strand): 5'-GATTTGGAACAGGATGAAGCATTTATTCCAGTTGGAGAATCACTAAAAGACCTTATTGAC[C>T]AGTCACAAAGTTCTGGTAGTGGGTCTGGACTACCTTTATTGGTAAGTTAAACGTTCCTAT-3'

ClinVar aggregate classification (germline): Pathogenic. Review status: criteria provided, multiple submitters, no conflicts (2 of 4 stars). 2 submissions from 2 submitters: Pathogenic (2). Last evaluated 2026-03-02.

Conditions:
Juvenile polyposis syndrome (JPS). Identifiers: Orphanet 2929, MedGen C0345893, MONDO:0017380, OMIM 174900.
Hereditary cancer-predisposing syndrome. Also called: Hereditary Cancer Syndrome; Neoplastic Syndromes, Hereditary; Tumor predisposition; Hereditary neoplastic syndrome. Identifiers: Orphanet 140162, MedGen C0027672, MeSH D009386, MONDO:0015356.

Submissions (2):

Ambry Genetics
Classification: Pathogenic for Hereditary cancer-predisposing syndrome. Last evaluated: 2026-03-02. Review status: criteria provided, single submitter. Criteria: Ambry Variant Classification Scheme 2023. Collection method: clinical testing. Allele origin: germline.
Comment: The p.Q212* pathogenic mutation (also known as c.634C>T), located in coding exon 6 of the BMPR1A gene, results from a C to T substitution at nucleotide position 634. This changes the amino acid from a glutamine to a stop codon within coding exon 6. This variant is considered to be rare based on population cohorts in the Genome Aggregation Database (gnomAD). This alteration is expected to result in loss of function by premature protein truncation or nonsense-mediated mRNA decay. As such, this alteration is interpreted as a disease-causing mutation.

Labcorp Genetics (formerly Invitae), Labcorp
Classification: Pathogenic for Juvenile polyposis syndrome. Last evaluated: 2024-03-17. Review status: criteria provided, single submitter. Criteria: Invitae Variant Classification Sherloc (09022015). Collection method: clinical testing. Allele origin: germline.
Comment: This sequence change creates a premature translational stop signal (p.Gln212*) in the BMPR1A gene. It is expected to result in an absent or disrupted protein product. Loss-of-function variants in BMPR1A are known to be pathogenic (PMID: 11536076, 12417513). This variant is not present in population databases (gnomAD no frequency). This variant has not been reported in the literature in individuals affected with BMPR1A-related conditions. For these reasons, this variant has been classified as Pathogenic.

Literature cited by the submitters: PubMed 11536076 (cited by Labcorp Genetics (formerly Invitae), Labcorp); PubMed 12417513 (cited by Labcorp Genetics (formerly Invitae), Labcorp).